The following is an entry in ClinVar:

NM_001008537.3(NEXMIF):c.2971T>C (p.Phe991Leu)

Gene: NEXMIF (neurite extension and migration factor; minus strand). Cytogenetic location: Xq13.3.
Variant type: single nucleotide variant.
Coding change: c.2971T>C on transcript NM_001008537.3 (MANE Select); coding-DNA position 2971, T replaced by C.
Protein change: p.Phe991Leu; replaces phenylalanine 991 with leucine.
Molecular consequence: missense variant.
Genome position (GRCh38, 1-based): chrX:74,741,586, A>G on the plus strand (T>C on the coding strand, the complement: NEXMIF is on the minus strand). VCF-style: chrX-74741586-A-G. GRCh37 (hg19) VCF-style: chrX-73961421-A-G.
Other names: short protein forms F991L.
Identifiers: ClinVar variation 4760383 (VCV004760383.1).
Genomic context (GRCh38, chrX:74,741,586, plus strand): 5'-AGCTTAAGGAGCAATAATTACTTGAGCTGACAGAGAGTGGGGCCATTGAATCAAAGCTAA[A>G]GAGCCGACCATCATCCATATTGACTGGCCCCTGCTGGAAAGGAAAGCAGATCTCTCCATT-3'
Protein context (NP_001008537.1, residues 981-1001): GPVNMDDGRL[Phe991Leu]SFDSMAPLSV

ClinVar aggregate classification (germline): Uncertain significance (1 of 4 stars; one submission).

gnomAD v4.1: 1 of 1,210,059 alleles (0.000083%); highest among the groups gnomAD compares: African/African-American, 0.0017%; no homozygotes.

Submission:

Labcorp Genetics (formerly Invitae), Labcorp
Classification: Uncertain significance. Last evaluated: 2025-03-30. Review status: criteria provided, single submitter. Criteria: Invitae Variant Classification Sherloc (09022015). Collection method: clinical testing. Allele origin: germline.
Comment: This sequence change replaces phenylalanine, which is neutral and non-polar, with leucine, which is neutral and non-polar, at codon 991 of the NEXMIF protein (p.Phe991Leu). This variant is not present in population databases (gnomAD no frequency). This variant has not been reported in the literature in individuals affected with NEXMIF-related conditions. An algorithm developed to predict the effect of missense changes on protein structure and function (PolyPhen-2) suggests that this variant is likely to be tolerated. In summary, the available evidence is currently insufficient to determine the role of this variant in disease. Therefore, it has been classified as a Variant of Uncertain Significance.